The following is an entry in ClinVar:

NM_000531.6(OTC):c.843C>A (p.Phe281Leu)

Gene: OTC (ornithine transcarbamylase; plus strand). Cytogenetic location: Xp11.4.
Variant type: single nucleotide variant.
Coding change: c.843C>A on transcript NM_000531.6 (MANE Select); coding-DNA position 843, C replaced by A.
Protein change: p.Phe281Leu; replaces phenylalanine 281 with leucine.
Molecular consequence: missense variant.
Genome position (GRCh38, 1-based): chrX:38,409,001, C>A. VCF-style: chrX-38409001-C-A. GRCh37 (hg19) VCF-style: chrX-38268254-C-A.
Other names: c.843C>A, p.Phe281Leu (NM_001407092.1); short protein forms F281L.
Identifiers: ClinVar variation 5026109 (VCV005026109.1).

ClinVar aggregate classification (germline): Uncertain significance (1 of 4 stars; one submission).

Conditions:
Inborn genetic diseases. Identifiers: MedGen C0950123, MeSH D030342.

Submission:

Ambry Genetics
Classification: Uncertain significance for Inborn genetic diseases. Last evaluated: 2026-07-07. Review status: criteria provided, single submitter. Criteria: Ambry Variant Classification Scheme 2023. Collection method: clinical testing. Allele origin: germline.
Comment: The p.F281L variant (also known as c.843C>A), located in coding exon 8 of the OTC gene, results from a C to A substitution at nucleotide position 843. The phenylalanine at codon 281 is replaced by leucine, an amino acid with highly similar properties. This amino acid position is conserved. In addition, this alteration is predicted to be deleterious by in silico analysis. Based on the available evidence, the clinical significance of this variant remains unclear.